The following is an entry in ClinVar:

NM_004247.4(EFTUD2):c.1002T>A (p.Ile334=)

Gene: EFTUD2 (elongation factor Tu GTP binding domain containing 2; minus strand). Cytogenetic location: 17q21.31.
Variant type: single nucleotide variant.
Coding change: c.1002T>A on transcript NM_004247.4 (MANE Select); coding-DNA position 1002, T replaced by A.
Protein change: p.Ile334=; no amino-acid change (isoleucine 334 retained).
Molecular consequence: synonymous variant.
Genome position (GRCh38, 1-based): chr17:44,868,343, A>T on the plus strand (T>A on the coding strand, the complement: EFTUD2 is on the minus strand). VCF-style: chr17-44868343-A-T. GRCh37 (hg19) VCF-style: chr17-42945711-A-T.
Other names: c.897T>A, p.Ile299= (NM_001142605.2); c.1002T>A, p.Ile334= (NM_001258353.2); c.972T>A, p.Ile324= (NM_001258354.2).
Identifiers: ClinVar variation 3257488 (VCV003257488.17).

ClinVar aggregate classification (germline): Likely benign (1 of 4 stars; one submission).

Submission:

CeGaT Center for Human Genetics Tuebingen
Classification: Likely benign. Last evaluated: 2024-07-01. Review status: criteria provided, single submitter. Criteria: CeGaT Center For Human Genetics Tuebingen Variant Classification Criteria Version 2. Collection method: clinical testing. Allele origin: germline. Affected: yes. Observed: 1 variant allele.
Comment: EFTUD2: PM2:Supporting, BP4, BP7